The following is an entry in ClinVar:

NM_001330700.2(TOP2B):c.1274A>G (p.Asn425Ser)

Gene: TOP2B (DNA topoisomerase II beta; minus strand). Cytogenetic location: 3p24.2.
Variant type: single nucleotide variant.
Coding change: c.1274A>G on transcript NM_001330700.2 (MANE Select); coding-DNA position 1274, A replaced by G.
Protein change: p.Asn425Ser; replaces asparagine 425 with serine.
Molecular consequence: missense variant.
Genome position (GRCh38, 1-based): chr3:25,630,932, T>C on the plus strand (A>G on the coding strand, the complement: TOP2B is on the minus strand). VCF-style: chr3-25630932-T-C. GRCh37 (hg19) VCF-style: chr3-25672423-T-C.
Other names: c.1259A>G, p.Asn420Ser (NM_001068.3); short protein forms N425S, N420S.
Identifiers: ClinVar variation 1361036 (VCV001361036.8), dbSNP rs776858356, ClinGen allele CA2288701.

ClinVar aggregate classification (germline): Uncertain significance (1 of 4 stars; one submission).

Allele frequency attached by ClinVar (database versions not stated): TOPMed below 0.00001; gnomAD exomes 0.00001 and 0.00002; ExAC 0.00002.
gnomAD v4.1: 22 of 1,582,650 alleles (0.0014%); highest among the groups gnomAD compares: South Asian, 0.0023%; no homozygotes.

Submission:

Labcorp Genetics (formerly Invitae), Labcorp
Classification: Uncertain significance. Last evaluated: 2021-05-18. Review status: criteria provided, single submitter. Criteria: Invitae Variant Classification Sherloc (09022015). Collection method: clinical testing. Allele origin: germline.
Comment: In summary, the available evidence is currently insufficient to determine the role of this variant in disease. Therefore, it has been classified as a Variant of Uncertain Significance. Algorithms developed to predict the effect of sequence changes on RNA splicing suggest that this variant may create or strengthen a splice site, but this prediction has not been confirmed by published transcriptional studies. Algorithms developed to predict the effect of missense changes on protein structure and function (SIFT, PolyPhen-2, Align-GVGD) all suggest that this variant is likely to be tolerated, but these predictions have not been confirmed by published functional studies and their clinical significance is uncertain. This variant has not been reported in the literature in individuals with TOP2B-related conditions. This variant is present in population databases (rs776858356, ExAC 0.006%). This sequence change replaces asparagine with serine at codon 420 of the TOP2B protein (p.Asn420Ser). The asparagine residue is moderately conserved and there is a small physicochemical difference between asparagine and serine.